The following is an entry in ClinVar:

NM_000214.3(JAG1):c.704G>A (p.Arg235Gln)

Gene: JAG1 (jagged canonical Notch ligand 1; minus strand). Cytogenetic location: 20p12.2.
Variant type: single nucleotide variant.
Coding change: c.704G>A on transcript NM_000214.3 (MANE Select); coding-DNA position 704, G replaced by A.
Protein change: p.Arg235Gln; replaces arginine 235 with glutamine.
Molecular consequence: missense variant.
Genome position (GRCh38, 1-based): chr20:10,656,449, C>T on the plus strand (G>A on the coding strand, the complement: JAG1 is on the minus strand). VCF-style: chr20-10656449-C-T. GRCh37 (hg19) VCF-style: chr20-10637097-C-T.
Other names: c.704G>A (NM_000214.2); short protein forms R235Q.
Identifiers: ClinVar variation 1418689 (VCV001418689.9), dbSNP rs1245693208, ClinGen allele CA408239851.

ClinVar aggregate classification (germline): Uncertain significance. Review status: criteria provided, multiple submitters, no conflicts (2 of 4 stars). 2 submissions from 2 submitters: Uncertain significance (2). Last evaluated 2022-10-26.

Conditions:
Cardiovascular phenotype. Identifiers: MedGen CN230736.
Alagille syndrome due to a JAG1 point mutation. Also called: HEPATIC DUCTULAR HYPOPLASIA, SYNDROMATIC; Alagille Syndrome 1; JAG1-Related Alagille Syndrome. Identifiers: Orphanet 261619, Orphanet 52, MedGen C1956125, MONDO:0016862, OMIM 118450.

Allele frequency attached by ClinVar (database versions not stated): gnomAD exomes 0.00001; TOPMed 0.00001.

Submissions (2):

Ambry Genetics
Classification: Uncertain significance for Cardiovascular phenotype. Last evaluated: 2022-10-26. Review status: criteria provided, single submitter. Criteria: Ambry Variant Classification Scheme 2023. Collection method: clinical testing. Allele origin: germline.

Labcorp Genetics (formerly Invitae), Labcorp
Classification: Uncertain significance for Alagille syndrome due to a JAG1 point mutation. Last evaluated: 2022-09-01. Review status: criteria provided, single submitter. Criteria: Invitae Variant Classification Sherloc (09022015). Collection method: clinical testing. Allele origin: germline.
Comment: This variant has not been reported in the literature in individuals affected with JAG1-related conditions. ClinVar contains an entry for this variant (Variation ID: 1418689). Advanced modeling of protein sequence and biophysical properties (such as structural, functional, and spatial information, amino acid conservation, physicochemical variation, residue mobility, and thermodynamic stability) performed at Invitae indicates that this missense variant is not expected to disrupt JAG1 protein function. In summary, the available evidence is currently insufficient to determine the role of this variant in disease. Therefore, it has been classified as a Variant of Uncertain Significance. This sequence change replaces arginine, which is basic and polar, with glutamine, which is neutral and polar, at codon 235 of the JAG1 protein (p.Arg235Gln). This variant is not present in population databases (gnomAD no frequency).